The following is an entry in ClinVar:

NM_004366.6(CLCN2):c.1931G>A (p.Arg644His)

Gene: CLCN2 (chloride voltage-gated channel 2; minus strand). Cytogenetic location: 3q27.1.
Variant type: single nucleotide variant.
Coding change: c.1931G>A on transcript NM_004366.6 (MANE Select); coding-DNA position 1931, G replaced by A.
Protein change: p.Arg644His; replaces arginine 644 with histidine.
Molecular consequence: missense variant.
Genome position (GRCh38, 1-based): chr3:184,353,347, C>T on the plus strand (G>A on the coding strand, the complement: CLCN2 is on the minus strand). VCF-style: chr3-184353347-C-T. GRCh37 (hg19) VCF-style: chr3-184071135-C-T.
Other names: c.1880G>A, p.Arg627His (NM_001171087.3); c.1799G>A, p.Arg600His (NM_001171088.3); c.1931G>A, p.Arg644His (NM_001171089.3); short protein forms R600H, R627H, R644H.
Identifiers: ClinVar variation 3573636 (VCV003573636.3).

ClinVar aggregate classification (germline): Uncertain significance. Review status: criteria provided, multiple submitters, no conflicts (2 of 4 stars). 2 submissions from 2 submitters: Uncertain significance (2). Last evaluated 2024-11-16.

gnomAD v4.1: 26 of 1,613,108 alleles (0.0016%); highest among the groups gnomAD compares: Admixed American, 0.0033%; no homozygotes.

Submissions (2):

Labcorp Genetics (formerly Invitae), Labcorp
Classification: Uncertain significance. Last evaluated: 2024-11-16. Review status: criteria provided, single submitter. Criteria: Invitae Variant Classification Sherloc (09022015). Collection method: clinical testing. Allele origin: germline.
Comment: This sequence change replaces arginine, which is basic and polar, with histidine, which is basic and polar, at codon 644 of the CLCN2 protein (p.Arg644His). The frequency data for this variant in the population databases is considered unreliable, as metrics indicate poor data quality at this position in the gnomAD database. This variant has not been reported in the literature in individuals affected with CLCN2-related conditions. Invitae Evidence Modeling of protein sequence and biophysical properties (such as structural, functional, and spatial information, amino acid conservation, physicochemical variation, residue mobility, and thermodynamic stability) indicates that this missense variant is expected to disrupt CLCN2 protein function with a positive predictive value of 80%. In summary, the available evidence is currently insufficient to determine the role of this variant in disease. Therefore, it has been classified as a Variant of Uncertain Significance.

GeneDx
Classification: Uncertain significance. Last evaluated: 2024-07-11. Review status: criteria provided, single submitter. Criteria: GeneDx Variant Classification Process June 2021. Collection method: clinical testing. Allele origin: germline. Affected: yes.
Comment: Not observed at significant frequency in large population cohorts (gnomAD); In silico analysis supports that this missense variant has a deleterious effect on protein structure/function; Has not been previously published as pathogenic or benign to our knowledge